The following is an entry in ClinVar:

ClinVar aggregate classification (germline): Uncertain significance (1 of 4 stars; one submission).

Conditions:
Epilepsy, progressive myoclonic, 1B. Also called: PME. Identifiers: Orphanet 308, MedGen C2676254, MONDO:0012904, OMIM 612437.

Submission:

Labcorp Genetics (formerly Invitae), Labcorp
Classification: Uncertain significance for Epilepsy, progressive myoclonic, 1B. Last evaluated: 2019-04-09. Review status: criteria provided, single submitter. Criteria: Invitae Variant Classification Sherloc (09022015). Collection method: clinical testing. Allele origin: germline.
Comment: In summary, the available evidence is currently insufficient to determine the role of this variant in disease. Therefore, it has been classified as a Variant of Uncertain Significance. Algorithms developed to predict the effect of missense changes on protein structure and function are either unavailable or do not agree on the potential impact of this missense change (SIFT: "Deleterious"; PolyPhen-2: "Benign"; Align-GVGD: "Class C0"). This variant has not been reported in the literature in individuals with PRICKLE1-related conditions. This variant is not present in population databases (ExAC no frequency). This sequence change replaces glycine with arginine at codon 508 of the PRICKLE1 protein (p.Gly508Arg). The glycine residue is highly conserved and there is a moderate physicochemical difference between glycine and arginine.

NM_153026.3(PRICKLE1):c.1522G>C (p.Gly508Arg)

Gene: PRICKLE1 (prickle planar cell polarity protein 1; minus strand). Cytogenetic location: 12q12.
Variant type: single nucleotide variant.
Coding change: c.1522G>C on transcript NM_153026.3 (MANE Select); coding-DNA position 1522, G replaced by C.
Protein change: p.Gly508Arg; replaces glycine 508 with arginine.
Molecular consequence: missense variant.
Genome position (GRCh38, 1-based): chr12:42,464,512, C>G on the plus strand (G>C on the coding strand, the complement: PRICKLE1 is on the minus strand). VCF-style: chr12-42464512-C-G. GRCh37 (hg19) VCF-style: chr12-42858314-C-G.
Other names: c.1522G>C, p.Gly508Arg (NM_001144881.2, NM_001144882.2, NM_001144883.2); short protein forms G508R.
Identifiers: ClinVar variation 850225 (VCV000850225.9), dbSNP rs1937999932, ClinGen allele CA384441507.
Genomic context (GRCh38, chr12:42,464,512, plus strand): 5'-TCAGGTCTGACAGACACTCCAGGGAATCTTCATACCACTGTGTTTCATCATGATTATACC[C>G]TGAAGCCCCATGGTCCAGTTCCAATTCCTGAAGCCTTCTACTGCTTGCAGGGCCTGGGTG-3'
Protein context (NP_694571.2, residues 498-518): QELELDHGAS[Gly508Arg]YNHDETQWYE